The following is an entry in ClinVar:

NM_170606.3(KMT2C):c.9159A>G (p.Leu3053=)

Gene: KMT2C (lysine methyltransferase 2C; minus strand). Cytogenetic location: 7q36.1.
Variant type: single nucleotide variant.
Coding change: c.9159A>G on transcript NM_170606.3 (MANE Select); coding-DNA position 9159, A replaced by G.
Protein change: p.Leu3053=; no amino-acid change (leucine 3053 retained).
Molecular consequence: synonymous variant.
Genome position (GRCh38, 1-based): chr7:152,176,294, T>C on the plus strand (A>G on the coding strand, the complement: KMT2C is on the minus strand). VCF-style: chr7-152176294-T-C. GRCh37 (hg19) VCF-style: chr7-151873379-T-C.
Identifiers: ClinVar variation 3034977 (VCV003034977.3), dbSNP rs559730393, ClinGen allele CA458687800.

ClinVar aggregate classification (germline): Likely benign. Review status: criteria provided, single submitter (1 of 4 stars). 2 submissions from 2 submitters: Likely benign (1). 1 of the submissions does not count toward it. Last evaluated 2024-01-31.

Conditions:
KMT2C-related disorder. Also called: KMT2C-related condition; KMT2C-related disorders.

Allele frequency attached by ClinVar (database versions not stated): TOPMed 0.00002.
gnomAD v4.1: 14 of 1,614,040 alleles (0.00087%); highest among the groups gnomAD compares: Non-Finnish European, 0.001%; no homozygotes.

Submissions (2):

Blueprint Genetics
Classification: Likely benign. Last evaluated: 2024-01-31. Review status: criteria provided, single submitter. Criteria: ACMG Guidelines, 2015. Collection method: clinical testing. Allele origin: germline.

PreventionGenetics, part of Exact Sciences
Classification: Likely benign for KMT2C-related condition. Last evaluated: 2019-07-30. Review status: no assertion criteria provided. Collection method: clinical testing. Allele origin: germline. Not counted in ClinVar's aggregate classification.
Comment: This variant is classified as likely benign based on ACMG/AMP sequence variant interpretation guidelines (Richards et al. 2015 PMID: 25741868, with internal and published modifications).